The following is an entry in ClinVar:

NM_000431.4(MVK):c.442G>A (p.Ala148Thr)

Gene: MVK (mevalonate kinase; plus strand). Cytogenetic location: 12q24.11.
Variant type: single nucleotide variant.
Coding change: c.442G>A on transcript NM_000431.4 (MANE Select); coding-DNA position 442, G replaced by A.
Protein change: p.Ala148Thr; replaces alanine 148 with threonine.
Molecular consequence: missense variant. On other transcripts: intron variant (1).
Genome position (GRCh38, 1-based): chr12:109,581,465, G>A. VCF-style: chr12-109581465-G-A. GRCh37 (hg19) VCF-style: chr12-110019270-G-A.
Other names: c.442G>A, p.Ala148Thr (NM_001114185.3); c.371+1519G>A (NM_001301182.2); c.442G>A (LRG_156t1); short protein forms A148T.
Identifiers: ClinVar variation 97592 (VCV000097592.11), dbSNP rs104895298, ClinGen allele CA149834.

ClinVar aggregate classification (germline): Pathogenic/Likely pathogenic. Review status: criteria provided, multiple submitters, no conflicts (2 of 4 stars). 6 submissions from 6 submitters: Pathogenic (2); Likely pathogenic (3). 1 of the submissions does not count toward it. Last evaluated 2025-07-03.

Conditions:
Mevalonic aciduria (MEVA). Identifiers: Orphanet 29, MedGen C1959626, MONDO:0012481, OMIM 610377.
Porokeratosis 3, disseminated superficial actinic type (POROK3). Also called: POROKERATOSIS 3, MULTIPLE TYPES; POROKERATOSIS 3, MIBELLI TYPE; POROKERATOSIS, DISSEMINATED SUPERFICIAL ACTINIC, 1. Identifiers: MedGen C1867981, MONDO:0008293, OMIM 175900.
Hyperimmunoglobulin D with periodic fever (HIDS). Also called: HYPERIMMUNOGLOBULINEMIA D AND PERIODIC FEVER SYNDROME; Hyperimmunoglobulinemia D; Hyperimmunoglobulinemia D with periodic fever. Identifiers: Orphanet 343, MedGen C0398691, MONDO:0009849, OMIM 260920.
Retinal dystrophy. Also called: Inherited retinal dystrophy. Identifiers: Orphanet 71862, MedGen C0854723, MeSH D058499, MONDO:0019118, HP:0000556.

Allele frequency attached by ClinVar (database versions not stated): ExAC 0.00001; gnomAD exomes 0.00001; gnomAD 0.00003 and 0.00004; TOPMed 0.00003.
gnomAD v4.1: 13 of 1,614,064 alleles (0.00081%); highest among the groups gnomAD compares: African/African-American, 0.0093%; no homozygotes.

Submissions (6):

Women's Health and Genetics/Laboratory Corporation of America, LabCorp
Classification: Likely pathogenic for Hyperimmunoglobulin D with periodic fever. Last evaluated: 2025-07-03. Review status: criteria provided, single submitter. Criteria: LabCorp Variant Classification Summary - May 2015. Collection method: clinical testing. Allele origin: germline.
Comment: Variant summary: MVK c.442G>A (p.Ala148Thr) results in a non-conservative amino acid change in the encoded protein sequence. Algorithms developed to predict the effect of missense changes on protein structure and function all suggest that this variant is likely to be disruptive. The variant was absent in 251282 control chromosomes. c.442G>A has been observed in compound heterozygous and homozygous individuals affected with Hyperimmunoglobulin D with periodic fever (Houten_2001, D'Osualdo_2005, Bader-Meunier_2011). These data indicate that the variant is likely to be associated with disease. To our knowledge, no experimental evidence demonstrating an impact on protein function has been reported. The following publications have been ascertained in the context of this evaluation (PMID: 21708801, 15536479, 11313768). ClinVar contains an entry for this variant (Variation ID: 97592). Based on the evidence outlined above, the variant was classified as likely pathogenic.

Fulgent Genetics
Classification: Likely pathogenic for Porokeratosis 3, disseminated superficial actinic type; Hyperimmunoglobulin D with periodic fever; Mevalonic aciduria. Last evaluated: 2024-03-21. Review status: criteria provided, single submitter. Criteria: ACMG Guidelines, 2015. Collection method: clinical testing. Allele origin: germline.

Labcorp Genetics (formerly Invitae), Labcorp
Classification: Pathogenic for Mevalonic aciduria; Hyperimmunoglobulin D with periodic fever; Porokeratosis 3, disseminated superficial actinic type. Last evaluated: 2023-11-17. Review status: criteria provided, single submitter. Criteria: Invitae Variant Classification Sherloc (09022015). Collection method: clinical testing. Allele origin: germline.
Comment: This sequence change replaces alanine, which is neutral and non-polar, with threonine, which is neutral and polar, at codon 148 of the MVK protein (p.Ala148Thr). This variant is present in population databases (rs104895298, gnomAD 0.01%). This missense change has been observed in individual(s) with hyper IgD syndrome, mevalonate kinase deficiency, and/or recurrent fever of unknown origin (PMID: 11313768, 15536479, 21708801). ClinVar contains an entry for this variant (Variation ID: 97592). Advanced modeling of protein sequence and biophysical properties (such as structural, functional, and spatial information, amino acid conservation, physicochemical variation, residue mobility, and thermodynamic stability) performed at Invitae indicates that this missense variant is not expected to disrupt MVK protein function with a negative predictive value of 80%. For these reasons, this variant has been classified as Pathogenic.

Institute of Human Genetics, Univ. Regensburg, Univ. Regensburg
Classification: Likely pathogenic for Retinal dystrophy. Last evaluated: 2019-01-01. Review status: criteria provided, single submitter. Criteria: ACMG Guidelines, 2015. Collection method: clinical testing. Allele origin: germline. Affected: yes.

GeneDx
Classification: Pathogenic. Last evaluated: 2015-04-01. Review status: criteria provided, single submitter. Criteria: GeneDx Variant Classification (06012015). Collection method: clinical testing. Allele origin: germline. Affected: yes.
Comment: The A148T missense mutation in the MVK gene has been reported previously in association with Hyper IgD syndrome (HIDS) (Houten et al., 2001). Another missense mutation at the same position, A148V, has also been published in association with HIDS (Bader-Meunier et al., 2011).

Unité médicale des maladies autoinflammatoires, CHRU Montpellier
No classification provided. Condition: Hyperimmunoglobulin D with periodic fever. Review status: no classification provided. Collection method: not provided. Allele origin: unknown. Not counted in ClinVar's aggregate classification.
Comment: also involved in OMIM 25117

Literature cited by the submitters: PubMed 11313768 (cited by 3 submitters); PubMed 21708801 (cited by Women's Health and Genetics/Laboratory Corporation of America, LabCorp and Labcorp Genetics (formerly Invitae), Labcorp); PubMed 15536479 (cited by Women's Health and Genetics/Laboratory Corporation of America, LabCorp and Labcorp Genetics (formerly Invitae), Labcorp); PubMed 3158961 (cited by Institute of Human Genetics, Univ. Regensburg, Univ. Regensburg).